The following is an entry in ClinVar:

NM_001130144.3(LTBP3):c.3193C>A (p.Pro1065Thr)

Genes: LTBP3 (latent transforming growth factor beta binding protein 3; minus strand), LOC121832793 (Sharpr-MPRA regulatory region 4001; plus strand). Cytogenetic location: 11q13.1.
Variant type: single nucleotide variant.
Coding change: c.3193C>A on transcript NM_001130144.3 (MANE Select); coding-DNA position 3193, C replaced by A.
Protein change: p.Pro1065Thr; replaces proline 1065 with threonine.
Molecular consequence: missense variant.
Genome position (GRCh38, 1-based): chr11:65,540,296, G>T on the plus strand (C>A on the coding strand, the complement: LTBP3 is on the minus strand). VCF-style: chr11-65540296-G-T. GRCh37 (hg19) VCF-style: chr11-65307767-G-T.
Other names: c.2842C>A, p.Pro948Thr (NM_001164266.1); c.3193C>A, p.Pro1065Thr (NM_021070.4); short protein forms P1065T, P948T.
Identifiers: ClinVar variation 4623987 (VCV004623987.1).

ClinVar aggregate classification (germline): Uncertain significance (1 of 4 stars; one submission).

Conditions:
Inborn genetic diseases. Identifiers: MedGen C0950123, MeSH D030342.

Submission:

Ambry Genetics
Classification: Uncertain significance for Inborn genetic diseases. Last evaluated: 2025-09-17. Review status: criteria provided, single submitter. Criteria: Ambry Variant Classification Scheme 2023. Collection method: clinical testing. Allele origin: germline.
Comment: The p.P1065T variant (also known as c.3193C>A), located in coding exon 23 of the LTBP3 gene, results from a C to A substitution at nucleotide position 3193. The proline at codon 1065 is replaced by threonine, an amino acid with highly similar properties. This amino acid position is conserved. In addition, the in silico prediction for this alteration is inconclusive. Based on the available evidence, the clinical significance of this variant remains unclear.